The following is an entry in ClinVar:

NM_000142.5(FGFR3):c.931-745C>T

Gene: FGFR3 (fibroblast growth factor receptor 3; plus strand). Cytogenetic location: 4p16.3.
Variant type: single nucleotide variant.
Coding change: c.931-745C>T on transcript NM_000142.5 (MANE Select); 745 bases into the intron before coding-DNA position 931, C replaced by T.
Molecular consequence: intron variant. On other transcripts: missense variant (1), non-coding transcript variant (1).
Genome position (GRCh38, 1-based): chr4:1,802,947, C>T. VCF-style: chr4-1802947-C-T. GRCh37 (hg19) VCF-style: chr4-1804674-C-T.
Other names: c.964C>T, p.Arg322Cys (NM_001163213.2); c.931-745C>T (NM_001354809.2, NM_001354810.2); c.930+922C>T (NM_022965.4); short protein forms R322C.
Identifiers: ClinVar variation 4990263 (VCV004990263.1).

ClinVar aggregate classification (germline): Uncertain significance (1 of 4 stars; one submission).

Conditions:
FGFR3-related disorder. Also called: FGFR3-related disorders.

gnomAD v4.1: 7 of 1,601,744 alleles (0.00044%); highest among the groups gnomAD compares: Admixed American, 0.0051%; no homozygotes.

Submission:

PreventionGenetics, part of Exact Sciences
Classification: Uncertain significance for FGFR3-related condition. Last evaluated: 2026-04-07. Review status: criteria provided, single submitter. Criteria: ACMG Guidelines, 2015. Collection method: clinical testing. Allele origin: germline.
Comment: The FGFR3 c.964C>T variant is predicted to result in the amino acid substitution p.Arg322Cys. To our knowledge, this variant has not been reported in the literature. This variant is reported in 0.0091% of alleles in individuals of Latino descent in gnomAD. At this time, the clinical significance of this variant is uncertain due to the absence of conclusive functional and genetic evidence.